The following is an entry in ClinVar:

NM_000218.3(KCNQ1):c.1393+20645G>C

Genes: KCNQ1 (potassium voltage-gated channel subfamily Q member 1; plus strand), KCNQ1OT1 (KCNQ1 opposite strand/antisense transcript 1; minus strand). Cytogenetic location: 11p15.5.
Variant type: single nucleotide variant.
Coding change: c.1393+20645G>C on transcript NM_000218.3 (MANE Select); 20645 bases into the intron after coding-DNA position 1393, G replaced by C.
Molecular consequence: intron variant.
Genome position (GRCh38, 1-based): chr11:2,609,499, G>C. VCF-style: chr11-2609499-G-C. GRCh37 (hg19) VCF-style: chr11-2630729-G-C.
Other names: c.1123+20645G>C (NM_001406837.1); c.1297+20645G>C (NM_001406836.1); c.853+20645G>C (NM_001406838.1); c.1012+20645G>C (NM_181798.2).
Identifiers: ClinVar variation 1701154 (VCV001701154.31), dbSNP rs550470268, ClinGen allele CA216355687.

ClinVar aggregate classification (germline): Benign (1 of 4 stars; one submission).

Allele frequency attached by ClinVar (database versions not stated): gnomAD 0.00024 and 0.00029; TOPMed 0.00026; gnomAD exomes 0.00027; 1000 Genomes Project 30x 0.00031; 1000 Genomes Project 0.00040.
gnomAD v4.1: 115 of 398,342 alleles (0.029%); highest among the groups gnomAD compares: South Asian, 0.2%; 1 homozygote.

Submission:

CeGaT Center for Human Genetics Tuebingen
Classification: Benign. Last evaluated: 2024-11-01. Review status: criteria provided, single submitter. Criteria: CeGaT Center For Human Genetics Tuebingen Variant Classification Criteria Version 2. Collection method: clinical testing. Allele origin: germline. Affected: yes. Observed: 6 variant alleles.
Comment: KCNQ1OT1: BS1, BS2